The following is an entry in ClinVar:

ClinVar aggregate classification (germline): Uncertain significance. Review status: criteria provided, multiple submitters, no conflicts (2 of 4 stars). 3 submissions from 3 submitters: Uncertain significance (3). Last evaluated 2025-11-25.

Conditions:
Inborn genetic diseases. Identifiers: MedGen C0950123, MeSH D030342.
DCHS1-related disorder. Also called: DCHS1-related condition.

Allele frequency attached by ClinVar (database versions not stated): gnomAD 0.00001; ExAC 0.00005.
gnomAD v4.1: 46 of 1,613,830 alleles (0.0029%); highest among the groups gnomAD compares: Middle Eastern, 0.033%; no homozygotes.

Submissions (3):

Labcorp Genetics (formerly Invitae), Labcorp
Classification: Uncertain significance. Last evaluated: 2025-11-25. Review status: criteria provided, single submitter. Criteria: Invitae Variant Classification Sherloc (09022015). Collection method: clinical testing. Allele origin: germline.
Comment: This sequence change replaces arginine, which is basic and polar, with histidine, which is basic and polar, at codon 1062 of the DCHS1 protein (p.Arg1062His). This variant is present in population databases (rs199822828, gnomAD 0.01%). This variant has not been reported in the literature in individuals affected with DCHS1-related conditions. ClinVar contains an entry for this variant (Variation ID: 2892566). Invitae Evidence Modeling of protein sequence and biophysical properties (such as structural, functional, and spatial information, amino acid conservation, physicochemical variation, residue mobility, and thermodynamic stability) indicates that this missense variant is expected to disrupt DCHS1 protein function with a positive predictive value of 80%. In summary, the available evidence is currently insufficient to determine the role of this variant in disease. Therefore, it has been classified as a Variant of Uncertain Significance.

PreventionGenetics, part of Exact Sciences
Classification: Uncertain significance for DCHS1-related condition. Last evaluated: 2025-05-27. Review status: criteria provided, single submitter. Criteria: ACMG Guidelines, 2015. Collection method: clinical testing. Allele origin: germline.
Comment: The DCHS1 c.3185G>A variant is predicted to result in the amino acid substitution p.Arg1062His. To our knowledge, this variant has not been reported in the literature. This variant is reported in 0.011% of alleles in individuals of European (Non-Finnish) descent in gnomAD. At this time, the clinical significance of this variant is uncertain due to the absence of conclusive functional and genetic evidence.

Ambry Genetics
Classification: Uncertain significance for Inborn genetic diseases. Last evaluated: 2025-03-03. Review status: criteria provided, single submitter. Criteria: Ambry Variant Classification Scheme 2023. Collection method: clinical testing. Allele origin: germline.

NM_003737.4(DCHS1):c.3185G>A (p.Arg1062His)

Gene: DCHS1 (dachsous cadherin-related 1; minus strand). Cytogenetic location: 11p15.4.
Variant type: single nucleotide variant.
Coding change: c.3185G>A on transcript NM_003737.4 (MANE Select); coding-DNA position 3185, G replaced by A.
Protein change: p.Arg1062His; replaces arginine 1062 with histidine.
Molecular consequence: missense variant.
Genome position (GRCh38, 1-based): chr11:6,632,327, C>T on the plus strand (G>A on the coding strand, the complement: DCHS1 is on the minus strand). VCF-style: chr11-6632327-C-T. GRCh37 (hg19) VCF-style: chr11-6653558-C-T.
Other names: c.3185G>A (NM_003737.2, NM_003737.3); short protein forms R1062H.
Identifiers: ClinVar variation 2892566 (VCV002892566.5), dbSNP rs199822828, ClinGen allele CA5860589.